The following is an entry in ClinVar:

NM_005529.7(HSPG2):c.3440C>T (p.Thr1147Met)

Gene: HSPG2 (heparan sulfate proteoglycan 2; minus strand). Cytogenetic location: 1p36.12.
Variant type: single nucleotide variant.
Coding change: c.3440C>T on transcript NM_005529.7 (MANE Select); coding-DNA position 3440, C replaced by T.
Protein change: p.Thr1147Met; replaces threonine 1147 with methionine.
Molecular consequence: missense variant.
Genome position (GRCh38, 1-based): chr1:21,874,704, G>A on the plus strand (C>T on the coding strand, the complement: HSPG2 is on the minus strand). VCF-style: chr1-21874704-G-A. GRCh37 (hg19) VCF-style: chr1-22201197-G-A.
Other names: c.3443C>T, p.Thr1148Met (NM_001291860.2); c.3440C>T (NM_005529.5); short protein forms T1148M, T1147M.
Identifiers: ClinVar variation 2039657 (VCV002039657.5), dbSNP rs767958264, ClinGen allele CA672640.

ClinVar aggregate classification (germline): Conflicting classifications of pathogenicity. Review status: criteria provided, conflicting classifications (1 of 4 stars). 2 submissions from 2 submitters: Uncertain significance (1); Likely benign (1). Last evaluated 2026-01-12.

Conditions:
Inborn genetic diseases. Identifiers: MedGen C0950123, MeSH D030342.

Allele frequency attached by ClinVar (database versions not stated): gnomAD 0.00009.
gnomAD v4.1: 62 of 1,608,032 alleles (0.0039%); highest among the groups gnomAD compares: Admixed American, 0.024%; no homozygotes.

Submissions (2):

Labcorp Genetics (formerly Invitae), Labcorp
Classification: Uncertain significance. Last evaluated: 2026-01-12. Review status: criteria provided, single submitter. Criteria: Invitae Variant Classification Sherloc (09022015). Collection method: clinical testing. Allele origin: germline.
Comment: This sequence change replaces threonine, which is neutral and polar, with methionine, which is neutral and non-polar, at codon 1147 of the HSPG2 protein (p.Thr1147Met). The frequency data for this variant in the population databases is considered unreliable, as metrics indicate poor data quality at this position in the gnomAD database. This variant has not been reported in the literature in individuals affected with HSPG2-related conditions. ClinVar contains an entry for this variant (Variation ID: 2039657). An algorithm developed to predict the effect of missense changes on protein structure and function outputs the following: PolyPhen-2: "Benign". The methionine amino acid residue is found in multiple mammalian species, which suggests that this missense change does not adversely affect protein function. In summary, the available evidence is currently insufficient to determine the role of this variant in disease. Therefore, it has been classified as a Variant of Uncertain Significance.

Ambry Genetics
Classification: Likely benign for Inborn genetic diseases. Last evaluated: 2023-03-23. Review status: criteria provided, single submitter. Criteria: Ambry Variant Classification Scheme 2023. Collection method: clinical testing. Allele origin: germline.